The following is an entry in ClinVar:

ClinVar aggregate classification (germline): Pathogenic (1 of 4 stars; one submission).

Conditions:
MPI-congenital disorder of glycosylation. Also called: PROTEIN-LOSING ENTEROPATHY-HEPATIC FIBROSIS SYNDROME; MPI DEFICIENCY; MANNOSEPHOSPHATE ISOMERASE DEFICIENCY; MPI-CDG; CONGENITAL DISORDER OF GLYCOSYLATION, TYPE Ib; CDG Ib. Identifiers: Orphanet 79319, MedGen C1865145, MONDO:0011257, OMIM 602579.

Submission:

Labcorp Genetics (formerly Invitae), Labcorp
Classification: Pathogenic for MPI-congenital disorder of glycosylation. Last evaluated: 2020-08-07. Review status: criteria provided, single submitter. Criteria: Invitae Variant Classification Sherloc (09022015). Collection method: clinical testing. Allele origin: germline.
Comment: This variant disrupts the C-terminus of the MPI protein. Other variant(s) that disrupt this region (p.Ala363Hisfs*9) have been determined to be pathogenic (PMID: 10484808, 30545931). This suggests that variants that disrupt this region of the protein are likely to be causative of disease. For these reasons, this variant has been classified as Pathogenic. This variant has not been reported in the literature in individuals with MPI-related conditions. This sequence change results in a premature translational stop signal in the MPI gene (p.Thr346Hisfs*13). While this is not anticipated to result in nonsense mediated decay, it is expected to disrupt the last 78 amino acids of the MPI protein. This variant is not present in population databases (ExAC no frequency).

Literature cited by the submitters: PubMed 10484808; PubMed 30545931.

NM_002435.3(MPI):c.1034dup (p.Thr346fs)

Gene: MPI (mannose phosphate isomerase; plus strand). Cytogenetic location: 15q24.1.
Variant type: Duplication.
Coding change: c.1034dup on transcript NM_002435.3 (MANE Select); coding-DNA position 1034, one base duplicated (T; older notation c.1034dupT).
Protein change: p.Thr346fs; shifts the reading frame from threonine 346.
Molecular consequence: frameshift variant. On other transcripts: intron variant (1).
Genome position (GRCh38, 1-based): chr15:74,897,200, T duplicated; the last of 2 consecutive T bases (chr15:74,897,199-74,897,200); duplicating either gives the same sequence. VCF-style (leftmost placement, unchanged base first): chr15-74897198-C-CT. GRCh37 (hg19) VCF-style: chr15-75189539-C-CT.
Other names: c.884dup, p.Thr296fs (NM_001289156.2); c.851dup, p.Thr285fs (NM_001289157.2); c.974dup, p.Thr326fs (NM_001330372.2); c.845-312dup (NM_001289155.2); short protein forms T285fs, T296fs, T326fs, T346fs.
Identifiers: ClinVar variation 1071838 (VCV001071838.9), dbSNP rs2141208718, ClinGen allele CA2499223096.
Genomic context (GRCh38, chr15:74,897,198, plus strand): 5'-TCTCCCAACACGGAGTCAGGAAGACCCCTACCTCTCAATCTATGACCCCCCTGTACCAGA[C>CT]TTCACCATTATGAAGACGGAGGTGAGTGAGGGGCTATGATGGGTGTCCTTCGTGTGCCAT-3'